The following is an entry in ClinVar:

ClinVar aggregate classification (germline): Uncertain significance. Review status: criteria provided, multiple submitters, no conflicts (2 of 4 stars). 3 submissions from 3 submitters: Uncertain significance (3). Last evaluated 2026-09-06.

Conditions:
MFAP5-related disorder. Also called: MFAP5-related condition.
Cardiovascular phenotype. Identifiers: MedGen CN230736.

Allele frequency attached by ClinVar (database versions not stated): ExAC 0.00001; gnomAD 0.00001; gnomAD exomes 0.00002; TOPMed 0.00002.
gnomAD v4.1: 30 of 1,612,946 alleles (0.0019%); highest among the groups gnomAD compares: Middle Eastern, 0.066%; no homozygotes.

Submissions (3):

PreventionGenetics, part of Exact Sciences
Classification: Uncertain significance for MFAP5-related condition. Last evaluated: 2026-09-06. Review status: criteria provided, single submitter. Criteria: ACMG Guidelines, 2015. Collection method: clinical testing. Allele origin: germline.
Comment: The MFAP5 c.335+4A>G variant is predicted to interfere with splicing. Based on available splicing prediction program(s) (SpliceAI, Jaganathan et al. 2019. PubMed ID: 30661751), this variant is predicted to interfere with splicing; however, the use of computer prediction programs is not equivalent to functional evidence. To our knowledge, this variant has not been reported in the literature. This variant is reported in 0.0031% of alleles in individuals of European (Non-Finnish) descent in gnomAD. At this time, the clinical significance of this variant is uncertain due to the absence of conclusive functional and genetic evidence.

Labcorp Genetics (formerly Invitae), Labcorp
Classification: Uncertain significance. Last evaluated: 2026-01-20. Review status: criteria provided, single submitter. Criteria: Invitae Variant Classification Sherloc (09022015). Collection method: clinical testing. Allele origin: germline.
Comment: This sequence change falls in intron 8 of the MFAP5 gene. It does not directly change the encoded amino acid sequence of the MFAP5 protein. It affects a nucleotide within the consensus splice site. This variant is present in population databases (rs764801456, gnomAD 0.002%). This variant has not been reported in the literature in individuals affected with MFAP5-related conditions. ClinVar contains an entry for this variant (Variation ID: 2880413). Variants that disrupt the consensus splice site are a relatively common cause of aberrant splicing (PMID: 17576681, 9536098). Algorithms developed to predict the effect of sequence changes on RNA splicing suggest that this variant may disrupt the consensus splice site. In summary, the available evidence is currently insufficient to determine the role of this variant in disease. Therefore, it has been classified as a Variant of Uncertain Significance.

Ambry Genetics
Classification: Uncertain significance for Cardiovascular phenotype. Last evaluated: 2024-12-09. Review status: criteria provided, single submitter. Criteria: Ambry Variant Classification Scheme 2023. Collection method: clinical testing. Allele origin: germline.
Comment: The c.335+4A>G intronic variant results from an A to G substitution 4 nucleotides after coding exon 7 in the MFAP5 gene. This nucleotide position is well conserved in available vertebrate species. In silico splice site analysis predicts that this alteration may weaken the native splice donor site. The evidence for this gene-disease relationship is limited; therefore, the clinical significance of this alteration is unclear.

Literature cited by the submitters: PubMed 17576681 (cited by Labcorp Genetics (formerly Invitae), Labcorp); PubMed 9536098 (cited by Labcorp Genetics (formerly Invitae), Labcorp).

NM_003480.4(MFAP5):c.335+4A>G

Gene: MFAP5 (microfibril associated protein 5; minus strand). Cytogenetic location: 12p13.31.
Variant type: single nucleotide variant.
Coding change: c.335+4A>G on transcript NM_003480.4 (MANE Select); 4 bases into the intron after coding-DNA position 335, A replaced by G.
Molecular consequence: intron variant.
Genome position (GRCh38, 1-based): chr12:8,650,498, T>C on the plus strand (A>G on the coding strand, the complement: MFAP5 is on the minus strand). VCF-style: chr12-8650498-T-C. GRCh37 (hg19) VCF-style: chr12-8803094-T-C.
Other names: c.335+4A>G (NM_003480.3, NM_003480.2); c.269+4A>G (NM_001297710.2); c.260+4A>G (NM_001297711.2); c.218-2295A>G (NM_001297712.2); c.305+4A>G (NM_001297709.2).
Identifiers: ClinVar variation 2880413 (VCV002880413.5), dbSNP rs764801456, ClinGen allele CA6434635.